The following is an entry in ClinVar:

ClinVar aggregate classification (germline): Uncertain significance (1 of 4 stars; one submission).

Conditions:
Autosomal recessive distal spinal muscular atrophy 1. Also called: NEURONOPATHY, DISTAL HEREDITARY MOTOR, HARDING TYPE VI; NEUROPATHY, DISTAL HEREDITARY MOTOR, AUTOSOMAL RECESSIVE 1; SEVERE INFANTILE AXONAL NEUROPATHY WITH RESPIRATORY FAILURE; SPINAL MUSCULAR ATROPHY, DIAPHRAGMATIC; Spinal muscular atrophy with respiratory distress 1; HMN VI. Identifiers: Orphanet 98920, MedGen C1858517, MONDO:0011436, OMIM 604320.
Charcot-Marie-Tooth disease axonal type 2S. Also called: CHARCOT-MARIE-TOOTH DISEASE, AXONAL, AUTOSOMAL RECESSIVE, TYPE 2S; CHARCOT-MARIE-TOOTH NEUROPATHY, TYPE 2S. Identifiers: Orphanet 443073, MedGen C4015349, MONDO:0014511, OMIM 616155.

Allele frequency attached by ClinVar (database versions not stated): TOPMed 0.00002; gnomAD exomes 0.00004; ExAC 0.00009.
gnomAD v4.1: 23 of 1,614,034 alleles (0.0014%); highest among the groups gnomAD compares: Admixed American, 0.038%; no homozygotes.

Submission:

Labcorp Genetics (formerly Invitae), Labcorp
Classification: Uncertain significance for Autosomal recessive distal spinal muscular atrophy 1; Charcot-Marie-Tooth disease axonal type 2S. Last evaluated: 2024-05-07. Review status: criteria provided, single submitter. Criteria: Invitae Variant Classification Sherloc (09022015). Collection method: clinical testing. Allele origin: germline.
Comment: This sequence change replaces serine, which is neutral and polar, with phenylalanine, which is neutral and non-polar, at codon 85 of the IGHMBP2 protein (p.Ser85Phe). This variant is present in population databases (rs745812844, gnomAD 0.06%). This variant has not been reported in the literature in individuals affected with IGHMBP2-related conditions. ClinVar contains an entry for this variant (Variation ID: 2152948). An algorithm developed to predict the effect of missense changes on protein structure and function (PolyPhen-2) suggests that this variant is likely to be disruptive. In summary, the available evidence is currently insufficient to determine the role of this variant in disease. Therefore, it has been classified as a Variant of Uncertain Significance.

NM_002180.3(IGHMBP2):c.254C>T (p.Ser85Phe)

Gene: IGHMBP2 (immunoglobulin mu DNA binding protein 2; plus strand). Cytogenetic location: 11q13.3.
Variant type: single nucleotide variant.
Coding change: c.254C>T on transcript NM_002180.3 (MANE Select); coding-DNA position 254, C replaced by T.
Protein change: p.Ser85Phe; replaces serine 85 with phenylalanine.
Molecular consequence: missense variant.
Genome position (GRCh38, 1-based): chr11:68,906,236, C>T. VCF-style: chr11-68906236-C-T. GRCh37 (hg19) VCF-style: chr11-68673704-C-T.
Other names: short protein forms S85F.
Identifiers: ClinVar variation 2152948 (VCV002152948.2), dbSNP rs745812844, ClinGen allele CA6153225.